The following is an entry in ClinVar:

NM_001079802.2(FKTN):c.1162A>C (p.Lys388Gln)

Gene: FKTN (fukutin; plus strand). Cytogenetic location: 9q31.2.
Variant type: single nucleotide variant.
Coding change: c.1162A>C on transcript NM_001079802.2 (MANE Select); coding-DNA position 1162, A replaced by C.
Protein change: p.Lys388Gln; replaces lysine 388 with glutamine.
Molecular consequence: missense variant. On other transcripts: non-coding transcript variant (2).
Genome position (GRCh38, 1-based): chr9:105,620,051, A>C. VCF-style: chr9-105620051-A-C. GRCh37 (hg19) VCF-style: chr9-108382332-A-C.
Other names: c.1162A>C, p.Lys388Gln (NM_001198963.2, NM_001351496.2, NM_001351498.2 and 1 more transcripts); c.1093A>C, p.Lys365Gln (NM_001351497.2); c.766A>C, p.Lys256Gln (NM_001351499.2, NM_001351500.2, NM_001351501.2 and 1 more transcripts); short protein forms K256Q, K365Q, K388Q.
Identifiers: ClinVar variation 1046095 (VCV001046095.8), dbSNP rs1831568665, ClinGen allele CA374377962.

ClinVar aggregate classification (germline): Uncertain significance (1 of 4 stars; one submission).

Conditions:
Walker-Warburg congenital muscular dystrophy. Also called: Muscular dystrophy-dystroglycanopathy, type A; Walker-Warburg syndrome. Identifiers: Orphanet 899, MedGen C0265221, MONDO:0000171.

Submission:

Labcorp Genetics (formerly Invitae), Labcorp
Classification: Uncertain significance for Walker-Warburg congenital muscular dystrophy. Last evaluated: 2020-10-14. Review status: criteria provided, single submitter. Criteria: Invitae Variant Classification Sherloc (09022015). Collection method: clinical testing. Allele origin: germline.
Comment: In summary, the available evidence is currently insufficient to determine the role of this variant in disease. Therefore, it has been classified as a Variant of Uncertain Significance. Algorithms developed to predict the effect of missense changes on protein structure and function (SIFT, PolyPhen-2, Align-GVGD) all suggest that this variant is likely to be tolerated, but these predictions have not been confirmed by published functional studies and their clinical significance is uncertain. This variant has not been reported in the literature in individuals with FKTN-related conditions. This variant is not present in population databases (ExAC no frequency). This sequence change replaces lysine with glutamine at codon 388 of the FKTN protein (p.Lys388Gln). The lysine residue is moderately conserved and there is a small physicochemical difference between lysine and glutamine.